The following is an entry in ClinVar:

NM_004974.4(KCNA2):c.695_703del (p.Trp232_Ser234del)

Gene: KCNA2 (potassium voltage-gated channel subfamily A member 2; minus strand). Cytogenetic location: 1p13.3.
Variant type: Deletion.
Coding change: c.695_703del on transcript NM_004974.4 (MANE Select); coding-DNA positions 695 to 703, 9 bases deleted (GGTTCTCCT; older notation c.695_703delGGTTCTCCT).
Protein change: p.Trp232_Ser234del.
Molecular consequence: inframe deletion.
Genome position (GRCh38, 1-based): chr1:110,604,080-110,604,088, AGGAGAACC deleted on the plus strand (GGTTCTCCT on the coding strand, the reverse complement: KCNA2 is on the minus strand); deleting any 9 consecutive bases within chr1:110,604,080-110,604,090 gives the same sequence; the c. name uses the placement nearest the transcript's 3' end. VCF-style (leftmost placement, unchanged base first): chr1-110604079-AAGGAGAACC-A. GRCh37 (hg19) VCF-style: chr1-111146701-AAGGAGAACC-A.
Other names: c.695_703del, p.Trp232_Ser234del (NM_001204269.2).
Identifiers: ClinVar variation 5017258 (VCV005017258.1).

ClinVar aggregate classification (germline): Uncertain significance (1 of 4 stars; one submission).

Submission:

GeneDx
Classification: Uncertain significance. Last evaluated: 2026-03-31. Review status: criteria provided, single submitter. Criteria: GeneDx Variant Classification Process June 2021. Collection method: clinical testing. Allele origin: germline.
Comment: Not observed at significant frequency in large population cohorts (gnomAD); In-frame deletion of 3 amino acid(s) in a non-repeat region; In silico analysis suggests that this variant does not alter protein structure/function; Has not been previously published as pathogenic or benign to our knowledge